The following is an entry in ClinVar:

ClinVar aggregate classification (germline): Uncertain significance. Review status: criteria provided, multiple submitters, no conflicts (2 of 4 stars). 2 submissions from 2 submitters: Uncertain significance (2). Last evaluated 2024-05-01.

Conditions:
Episodic ataxia type 2 (EA2). Also called: CEREBELLAR ATAXIA, PAROXYSMAL, ACETAZOLAMIDE-RESPONSIVE; CEREBELLOPATHY, HEREDITARY PAROXYSMAL; EPISODIC ATAXIA, NYSTAGMUS-ASSOCIATED; ACETAZOLAMIDE-RESPONSIVE HEREDITARY PAROXYSMAL CEREBELLAR ATAXIA; ATAXIA, EPISODIC, WITH NYSTAGMUS; ATAXIA, FAMILIAL PAROXYSMAL. Identifiers: Orphanet 97, MedGen C1720416, MONDO:0007163, OMIM 108500.
Developmental and epileptic encephalopathy, 42 (DEE42A). Also called: Epileptic encephalopathy, early infantile, 42; DEVELOPMENTAL AND EPILEPTIC ENCEPHALOPATHY 42A; EPILEPTIC ENCEPHALOPATHY, EARLY INFANTILE, 42A. Identifiers: MedGen C4310716, MONDO:0014917, OMIM 617106.

Submissions (2):

GeneDx
Classification: Uncertain significance. Last evaluated: 2024-05-01. Review status: criteria provided, single submitter. Criteria: GeneDx Variant Classification Process June 2021. Collection method: clinical testing. Allele origin: germline. Affected: yes.
Comment: Not observed at significant frequency in large population cohorts (gnomAD); In silico analysis supports that this missense variant has a deleterious effect on protein structure/function; Has not been previously published as pathogenic or benign to our knowledge

Labcorp Genetics (formerly Invitae), Labcorp
Classification: Uncertain significance for Developmental and epileptic encephalopathy, 42; Episodic ataxia type 2. Last evaluated: 2023-09-03. Review status: criteria provided, single submitter. Criteria: Invitae Variant Classification Sherloc (09022015). Collection method: clinical testing. Allele origin: germline.
Comment: Advanced modeling of protein sequence and biophysical properties (such as structural, functional, and spatial information, amino acid conservation, physicochemical variation, residue mobility, and thermodynamic stability) has been performed at Invitae for this missense variant, however the output from this modeling did not meet the statistical confidence thresholds required to predict the impact of this variant on CACNA1A protein function. In summary, the available evidence is currently insufficient to determine the role of this variant in disease. Therefore, it has been classified as a Variant of Uncertain Significance. This variant has not been reported in the literature in individuals affected with CACNA1A-related conditions. This sequence change replaces proline, which is neutral and non-polar, with glutamine, which is neutral and polar, at codon 2192 of the CACNA1A protein (p.Pro2192Gln). This variant is not present in population databases (gnomAD no frequency).

NM_001127222.2(CACNA1A):c.6572C>A (p.Pro2191Gln)

Gene: CACNA1A (calcium voltage-gated channel subunit alpha1 A; minus strand). Cytogenetic location: 19p13.13.
Variant type: single nucleotide variant.
Coding change: c.6572C>A on transcript NM_001127222.2 (MANE Select); coding-DNA position 6572, C replaced by A.
Protein change: p.Pro2191Gln; replaces proline 2191 with glutamine.
Molecular consequence: missense variant.
Genome position (GRCh38, 1-based): chr19:13,208,964, G>T on the plus strand (C>A on the coding strand, the complement: CACNA1A is on the minus strand). VCF-style: chr19-13208964-G-T. GRCh37 (hg19) VCF-style: chr19-13319778-G-T.
Other names: c.6590C>A, p.Pro2197Gln (NM_000068.4, NM_023035.3); c.6575C>A, p.Pro2192Gln (NM_001127221.2); c.6581C>A, p.Pro2194Gln (NM_001174080.2); short protein forms P2191Q, P2194Q, P2192Q, P2197Q.
Identifiers: ClinVar variation 2937602 (VCV002937602.4), dbSNP rs377294817, ClinGen allele CA404330604.